The following is an entry in ClinVar:

NM_004727.3(SLC24A1):c.605C>T (p.Pro202Leu)

Gene: SLC24A1 (solute carrier family 24 member 1; plus strand). Cytogenetic location: 15q22.31.
Variant type: single nucleotide variant.
Coding change: c.605C>T on transcript NM_004727.3 (MANE Select); coding-DNA position 605, C replaced by T.
Protein change: p.Pro202Leu; replaces proline 202 with leucine.
Molecular consequence: missense variant.
Genome position (GRCh38, 1-based): chr15:65,624,685, C>T. VCF-style: chr15-65624685-C-T. GRCh37 (hg19) VCF-style: chr15-65917023-C-T.
Other names: c.605C>T, p.Pro202Leu (NM_001301031.1, NM_001301032.1, NM_001301033.2); short protein forms P202L.
Identifiers: ClinVar variation 1510122 (VCV001510122.5), dbSNP rs374754108, ClinGen allele CA7619773.
Genomic context (GRCh38, chr15:65,624,685, plus strand): 5'-TGAGGGAAAAGGTGAAGTATACTCCTTCCCCACGTGGTAGAAGAGTAGGCACTTACGTGC[C>T]GTCCACATTCATGACAATGGAAACAAGCCATGCGATCACCCCCAGGACAACAGTGAAAGA-3'
Protein context (NP_004718.1, residues 192-212): PRGRRVGTYV[Pro202Leu]STFMTMETSH

ClinVar aggregate classification (germline): Uncertain significance (1 of 4 stars; one submission).

Allele frequency attached by ClinVar (database versions not stated): gnomAD 0.00003; ESP Exome Variant Server 0.00008; ExAC 0.00001; gnomAD exomes 0.00002; TOPMed 0.00002.
gnomAD v4.1: 33 of 1,604,148 alleles (0.0021%); highest among the groups gnomAD compares: Non-Finnish European, 0.0026%; no homozygotes.

Submission:

Labcorp Genetics (formerly Invitae), Labcorp
Classification: Uncertain significance. Last evaluated: 2024-05-22. Review status: criteria provided, single submitter. Criteria: Invitae Variant Classification Sherloc (09022015). Collection method: clinical testing. Allele origin: germline.
Comment: This sequence change replaces proline, which is neutral and non-polar, with leucine, which is neutral and non-polar, at codon 202 of the SLC24A1 protein (p.Pro202Leu). This variant is not present in population databases (gnomAD no frequency). This variant has not been reported in the literature in individuals affected with SLC24A1-related conditions. ClinVar contains an entry for this variant (Variation ID: 1510122). Algorithms developed to predict the effect of missense changes on protein structure and function output the following: SIFT: "Not Available"; PolyPhen-2: "Probably Damaging"; Align-GVGD: "Not Available". The leucine amino acid residue is found in multiple mammalian species, which suggests that this missense change does not adversely affect protein function. In summary, the available evidence is currently insufficient to determine the role of this variant in disease. Therefore, it has been classified as a Variant of Uncertain Significance.